The following is an entry in ClinVar:

NM_000458.4(HNF1B):c.1339+18T>C

Gene: HNF1B (HNF1 homeobox B; minus strand). Cytogenetic location: 17q12.
Variant type: single nucleotide variant.
Coding change: c.1339+18T>C on transcript NM_000458.4 (MANE Select); 18 bases into the intron after coding-DNA position 1339, T replaced by C.
Molecular consequence: intron variant.
Genome position (GRCh38, 1-based): chr17:37,704,899, A>G on the plus strand (T>C on the coding strand, the complement: HNF1B is on the minus strand). VCF-style: chr17-37704899-A-G. GRCh37 (hg19) VCF-style: chr17-36064906-A-G.
Other names: c.1261+18T>C (NM_001304286.2, NM_001165923.4); c.1339+18T>C (NM_001411100.1).
Identifiers: ClinVar variation 4883426 (VCV004883426.2).
Genomic context (GRCh38, chr17:37,704,899, plus strand): 5'-TTATTTTTCACCACATTAATTTGCTTCCCATTCTTCTTCTCCCTGCCCCCAAGTTTTCCA[A>G]CCAAGAATAGAACTTACTTTGTGCAATTGCCATGACTCCAGAGAGGGGTGTCATGATGAG-3'

ClinVar aggregate classification (germline): Uncertain significance (1 of 4 stars; one submission).

gnomAD v4.1: 3 of 1,614,054 alleles (0.00019%); highest among the groups gnomAD compares: Non-Finnish European, 0.00017%; no homozygotes.

Submission:

Dasa
Classification: Uncertain significance. Last evaluated: 2026-01-23. Review status: criteria provided, single submitter. Criteria: DASA Assertion Criteria. Collection method: clinical testing. Allele origin: germline.
Comment: NM_000458.4(HNF1B):c.1339+18T>C is an intronic variant. This variant is rare in population databases. The currently available literature and clinical evidence are not sufficient to establish a definitive association between this variant and the reported condition. Therefore, this variant is classified as a variant of uncertain significance.